The following is an entry in ClinVar:

ClinVar aggregate classification (germline): Uncertain significance (1 of 4 stars; one submission).

Conditions:
Inborn genetic diseases. Identifiers: MedGen C0950123, MeSH D030342.

Submission:

Ambry Genetics
Classification: Uncertain significance for Inborn genetic diseases. Last evaluated: 2025-12-30. Review status: criteria provided, single submitter. Criteria: Ambry Variant Classification Scheme 2023. Collection method: clinical testing. Allele origin: germline.
Comment: Thec.-11A>Cvariant is located in the 5' untranslated region (5&rsquo; UTR) of theWT1gene. This variant results from a A to C substitution 11 bases upstream from the first translated codon. Although this variant falls within the 5'UTR of transcript NM_024426.4, it is a missense variant (c.5A>C p.D2A) in the MANE Select transcript (NM_024426.6). This nucleotide position is highly conserved in available vertebrate species. Based on the available evidence, the clinical significance of this variant remains unclear.

NM_024426.6(WT1):c.5A>C (p.Asp2Ala)

Genes: WT1 (WT1 transcription factor; minus strand), LOC107982234 (WT1/WT1-AS bi-directional promoter region; plus strand). Cytogenetic location: 11p13.
Variant type: single nucleotide variant.
Coding change: c.5A>C on transcript NM_024426.6 (MANE Select); coding-DNA position 5, A replaced by C.
Protein change: p.Asp2Ala; replaces aspartic acid 2 with alanine.
Molecular consequence: missense variant. On other transcripts: non-coding transcript variant (2), 5 prime UTR variant (4).
Genome position (GRCh38, 1-based): chr11:32,435,356, T>G on the plus strand (A>C on the coding strand, the complement: WT1 is on the minus strand). VCF-style: chr11-32435356-T-G. GRCh37 (hg19) VCF-style: chr11-32456902-T-G.
Other names: c.5A>C, p.Asp2Ala (NM_000378.6, NM_001407044.1, NM_001407045.1 and 6 more transcripts); c.-215A>C (NM_001429031.1, NM_001429032.1, NM_001429033.1 and 1 more transcripts); short protein forms D2A.
Identifiers: ClinVar variation 4843798 (VCV004843798.1).